The following is an entry in ClinVar:

ClinVar aggregate classification (germline): Uncertain significance (1 of 4 stars; one submission).

Conditions:
POLD1-related polyposis and colorectal cancer syndrome (CRCS10). Also called: Colorectal cancer 10; COLORECTAL CANCER, SUSCEPTIBILITY TO, ON CHROMOSOME 19q; Colorectal cancer, susceptibility to, 10. Identifiers: Orphanet 220460, MedGen C2675481, MONDO:0012953, OMIM 612591.

Submission:

Labcorp Genetics (formerly Invitae), Labcorp
Classification: Uncertain significance for POLD1-related polyposis and colorectal cancer syndrome. Last evaluated: 2023-02-16. Review status: criteria provided, single submitter. Criteria: Invitae Variant Classification Sherloc (09022015). Collection method: clinical testing. Allele origin: germline.
Comment: This sequence change affects a donor splice site in intron 25 of the POLD1 gene. Missense variants that disrupt the 3'-5' exonuclease (proof-reading) activity of the POLD1 protein are associated with PPAP (polymerase proofreading–associated polyposis) (PMID: 23263490, 23447401). However, loss-of-function variants that result in an absent or severely disrupted POLD1 protein, and missense variants outside the exonuclease domain, are unlikely to be associated with PPAP. This variant is not present in population databases (gnomAD no frequency). This variant has not been reported in the literature in individuals affected with POLD1-related conditions. ClinVar contains an entry for this variant (Variation ID: 850014). Algorithms developed to predict the effect of sequence changes on RNA splicing suggest that this variant may disrupt the consensus splice site. In summary, the available evidence is currently insufficient to determine the role of this variant in disease. Therefore, it has been classified as a Variant of Uncertain Significance.

Literature cited by the submitters: PubMed 23263490; PubMed 23447401.

NM_002691.4(POLD1):c.3120+2T>G

Gene: POLD1 (DNA polymerase delta 1, catalytic subunit; plus strand). Cytogenetic location: 19q13.33.
Variant type: single nucleotide variant.
Coding change: c.3120+2T>G on transcript NM_002691.4 (MANE Select); the canonical splice donor site of the intron after coding-DNA position 3120, T replaced by G.
Molecular consequence: splice donor variant.
Genome position (GRCh38, 1-based): chr19:50,417,099, T>G. VCF-style: chr19-50417099-T-G. GRCh37 (hg19) VCF-style: chr19-50920356-T-G.
Other names: c.3120+2T>G (NM_001256849.1); c.3198+2T>G (NM_001308632.1).
Identifiers: ClinVar variation 850014 (VCV000850014.10), dbSNP rs2039330000, ClinGen allele CA406987214.
Genomic context (GRCh38, chr19:50,417,099, plus strand): 5'-CCACAGGAGCCGTGTGTGAGTTCTGCCAGCCCCGGGAGTCTGAGCTGTATCAGAAGGAGG[T>G]GAGAGGGCCGGGAGGTGAGGAGGGGCCAGGTGGGGAGGCGGGGGCGCCCTGCTCAGCCGC-3'